The following is an entry in ClinVar:

NM_032730.5(RTN4IP1):c.433G>A (p.Ala145Thr)

Gene: RTN4IP1 (reticulon 4 interacting protein 1; minus strand). Cytogenetic location: 6q21.
Variant type: single nucleotide variant.
Coding change: c.433G>A on transcript NM_032730.5 (MANE Select); coding-DNA position 433, G replaced by A.
Protein change: p.Ala145Thr; replaces alanine 145 with threonine.
Molecular consequence: missense variant.
Genome position (GRCh38, 1-based): chr6:106,621,487, C>T on the plus strand (G>A on the coding strand, the complement: RTN4IP1 is on the minus strand). VCF-style: chr6-106621487-C-T. GRCh37 (hg19) VCF-style: chr6-107069362-C-T.
Other names: c.133G>A, p.Ala45Thr (NM_001318746.1); short protein forms A145T, A45T.
Identifiers: ClinVar variation 2581171 (VCV002581171.1), dbSNP rs1034081008, ClinGen allele CA144995655.

ClinVar aggregate classification (germline): Uncertain significance (1 of 4 stars; one submission).

Allele frequency attached by ClinVar (database versions not stated): TOPMed 0.00001; gnomAD 0.00002.
gnomAD v4.1: 3 of 1,613,588 alleles (0.00019%); highest among the groups gnomAD compares: African/African-American, 0.004%; no homozygotes.

Submission:

Women's Health and Genetics/Laboratory Corporation of America, LabCorp
Classification: Uncertain significance. Last evaluated: 2023-08-16. Review status: criteria provided, single submitter. Criteria: LabCorp Variant Classification Summary - May 2015. Collection method: clinical testing. Allele origin: germline.
Comment: Variant summary: RTN4IP1 c.433G>A (p.Ala145Thr) results in a non-conservative amino acid change located in the Alcohol dehydrogenase-like, N-terminal (IPR013154) of the encoded protein sequence. Four of five in-silico tools predict a damaging effect of the variant on protein function. The variant allele was found at a frequency of 4e-06 in 251326 control chromosomes. The available data on variant occurrences in the general population are insufficient to allow any conclusion about variant significance. To our knowledge, no occurrence of c.433G>A in individuals affected with Optic Atrophy 10 With Or Without Ataxia, Intellectual Disability, And Seizures and no experimental evidence demonstrating its impact on protein function have been reported. No submitters have cited clinical-significance assessments for this variant to ClinVar after 2014. Based on the evidence outlined above, the variant was classified as uncertain significance.